The following is an entry in ClinVar:

ClinVar aggregate classification (germline): Uncertain significance (1 of 4 stars; one submission).

Allele frequency attached by ClinVar (database versions not stated): TOPMed below 0.00001; gnomAD 0.00001.
gnomAD v4.1: 4 of 1,613,202 alleles (0.00025%); highest among the groups gnomAD compares: African/African-American, 0.004%; no homozygotes.

Submission:

Labcorp Genetics (formerly Invitae), Labcorp
Classification: Uncertain significance. Last evaluated: 2023-04-28. Review status: criteria provided, single submitter. Criteria: Invitae Variant Classification Sherloc (09022015). Collection method: clinical testing. Allele origin: germline.
Comment: Advanced modeling of protein sequence and biophysical properties (such as structural, functional, and spatial information, amino acid conservation, physicochemical variation, residue mobility, and thermodynamic stability) performed at Invitae indicates that this missense variant is not expected to disrupt ERBB4 protein function. This variant has not been reported in the literature in individuals affected with ERBB4-related conditions. This variant is not present in population databases (gnomAD no frequency). This sequence change replaces leucine, which is neutral and non-polar, with valine, which is neutral and non-polar, at codon 661 of the ERBB4 protein (p.Leu661Val). In summary, the available evidence is currently insufficient to determine the role of this variant in disease. Therefore, it has been classified as a Variant of Uncertain Significance.

NM_005235.3(ERBB4):c.1981C>G (p.Leu661Val)

Gene: ERBB4 (erb-b2 receptor tyrosine kinase 4; minus strand). Cytogenetic location: 2q34.
Variant type: single nucleotide variant.
Coding change: c.1981C>G on transcript NM_005235.3 (MANE Select); coding-DNA position 1981, C replaced by G.
Protein change: p.Leu661Val; replaces leucine 661 with valine.
Molecular consequence: missense variant.
Genome position (GRCh38, 1-based): chr2:211,630,560, G>C on the plus strand (C>G on the coding strand, the complement: ERBB4 is on the minus strand). VCF-style: chr2-211630560-G-C. GRCh37 (hg19) VCF-style: chr2-212495285-G-C.
Other names: c.1981C>G, p.Leu661Val (NM_001042599.2); short protein forms L661V.
Identifiers: ClinVar variation 2989047 (VCV002989047.3), dbSNP rs1267104585, ClinGen allele CA350782709.
Genomic context (GRCh38, chr2:211,630,560, plus strand): 5'-TGATGCTCTTCCTTCTAACATAAACAGCAAATGTCAGACCCACAATGACCAGAATGAAGA[G>C]CCCACCAATTACTCCAGCTGCAATCAGGGGAGTTCTGACAACCAGAATGAGAAAAAAAAA-3'
Protein context (NP_005226.1, residues 651-671): PLIAAGVIGG[Leu661Val]FILVIVGLTF